The following is an entry in ClinVar:

NM_138694.4(PKHD1):c.5896C>T (p.Leu1966=)

Gene: PKHD1 (PKHD1 ciliary IPT domain containing fibrocystin/polyductin; minus strand). Cytogenetic location: 6p12.2.
Variant type: single nucleotide variant.
Coding change: c.5896C>T on transcript NM_138694.4 (MANE Select); coding-DNA position 5896, C replaced by T.
Protein change: p.Leu1966=; no amino-acid change (leucine 1966 retained).
Molecular consequence: synonymous variant.
Genome position (GRCh38, 1-based): chr6:51,959,882, G>A on the plus strand (C>T on the coding strand, the complement: PKHD1 is on the minus strand). VCF-style: chr6-51959882-G-A. GRCh37 (hg19) VCF-style: chr6-51824680-G-A.
Other names: p.Leu1966=; c.5896C>T, p.Leu1966= (NM_170724.3).
Identifiers: ClinVar variation 96414 (VCV000096414.34), dbSNP rs1266923, ClinGen allele CA149518.

ClinVar aggregate classification (germline): Benign/Likely benign. Review status: criteria provided, multiple submitters, no conflicts (2 of 4 stars). 14 submissions from 14 submitters: Benign (9); Likely benign (1). 4 of the submissions do not count toward it. Last evaluated 2026-02-04.

Conditions:
Polycystic kidney disease 4 (PKD4). Also called: POLYCYSTIC KIDNEY AND HEPATIC DISEASE 1; POLYCYSTIC KIDNEY DISEASE, INFANTILE, TYPE I; POLYCYSTIC KIDNEY DISEASE 4 WITH OR WITHOUT POLYCYSTIC LIVER DISEASE; PKD3; Autosomal Recessive Polycystic Kidney Disease – PKHD1. Identifiers: MedGen C4540575, MONDO:0033004, OMIM 263200.
Autosomal recessive polycystic kidney disease (ARPKD). Also called: AR polycystic kidney disease. Identifiers: Orphanet 731, Orphanet 8378, MedGen C0085548, MeSH D017044, MONDO:0009889.
Polycystic kidney disease. Also called: Kidney, Polycystic; Polycystic kidney dysplasia. Identifiers: MedGen C0022680, MeSH D007690, MONDO:0020642, HP:0000113.

Allele frequency attached by ClinVar (database versions not stated): gnomAD exomes 0.03202; ExAC 0.03244; ESP Exome Variant Server 0.04621; TOPMed 0.05035; 1000 Genomes Project 0.08147; 1000 Genomes Project 30x 0.08245.
gnomAD v4.1: 27,559 of 1,612,946 alleles (1.7%); highest among the groups gnomAD compares: African/African-American, 13%; 1,200 homozygotes.

Submissions (14):

Labcorp Genetics (formerly Invitae), Labcorp
Classification: Benign for Autosomal recessive polycystic kidney disease. Last evaluated: 2026-02-04. Review status: criteria provided, single submitter. Criteria: Invitae Variant Classification Sherloc (09022015). Collection method: clinical testing. Allele origin: germline.

Blueprint Genetics
Classification: Likely benign. Last evaluated: 2024-11-26. Review status: criteria provided, single submitter. Criteria: ACMG Guidelines, 2015. Collection method: clinical testing. Allele origin: germline.

Mayo Clinic Laboratories, Mayo Clinic
Classification: Benign. Last evaluated: 2022-03-09. Review status: criteria provided, single submitter. Criteria: ACMG Guidelines, 2015. Collection method: clinical testing. Allele origin: germline. Observed: 61 variant alleles.

Pars Genome Lab
Classification: Benign for Polycystic kidney disease 4. Last evaluated: 2021-06-19. Review status: criteria provided, single submitter. Criteria: ACMG Guidelines, 2015. Collection method: clinical testing. Allele origin: germline. Affected: no.

GeneDx
Classification: Benign. Last evaluated: 2018-07-09. Review status: criteria provided, single submitter. Criteria: GeneDx Variant Classification Process June 2021. Collection method: clinical testing. Allele origin: germline. Affected: yes.

Illumina Laboratory Services, Illumina
Classification: Benign for Polycystic kidney disease 4. Last evaluated: 2018-01-12. Review status: criteria provided, single submitter. Criteria: ICSL Variant Classification Criteria 13 December 2019. Collection method: clinical testing. Allele origin: germline.
Comment: This variant was observed in the ICSL laboratory as part of a predisposition screen in an ostensibly healthy population. It had not been previously curated by ICSL or reported in the Human Gene Mutation Database (HGMD: prior to June 1st, 2018), and was therefore a candidate for classification through an automated scoring system. Utilizing variant allele frequency, disease prevalence and penetrance estimates, and inheritance mode, an automated score was calculated to assess if this variant is too frequent to cause the disease. Based on the score and internal cut-off values, a variant classified as benign is not then subjected to further curation. The score for this variant resulted in a classification of benign for this disease.

Women's Health and Genetics/Laboratory Corporation of America, LabCorp
Classification: Benign. Last evaluated: 2016-04-27. Review status: criteria provided, single submitter. Criteria: LabCorp Variant Classification Summary - May 2015. Collection method: clinical testing. Allele origin: germline.
Comment: Variant summary: The c.5896C>T variant involves the alteration of a conserved nucleotide resulting in a synonymous change. 4/5 in silico tools via Alamut predict no significant effect on splicing. The variant was observed in the large and broad cohorts of the ExAC project at an allele frequency of 3.2%, predominantly observed in the African subpopulation at a frequency of 13.5% including 82 homozygous occurrences. This frequency exceeds the maximal expected allele frequency for a pathogenic variant in PKHD1 (0.71%), suggesting this is a benign polymorphism found primarily in population(s) of African origin. Publications and a clinical lab have classifed the variant as polymorphism/benign.

Genome Diagnostics Laboratory, University Medical Center Utrecht
Classification: Benign for Polycystic kidney disease 4. Last evaluated: 2014-12-01. Review status: criteria provided, single submitter. Criteria: ACGS Guidelines, 2013. Collection method: clinical testing. Allele origin: germline. Affected: yes. Study: VKGL Data-share Consensus.

Eurofins Ntd Llc (ga)
Classification: Benign. Last evaluated: 2013-04-23. Review status: criteria provided, single submitter. Criteria: EGL Classification Definitions 2015. Collection method: clinical testing. Allele origin: germline. Observed: 12 variant alleles, 11 heterozygotes, 1 homozygote.

PreventionGenetics, part of Exact Sciences
Classification: Benign. Review status: criteria provided, single submitter. Criteria: ACMG Guidelines, 2015. Collection method: clinical testing. Allele origin: germline.

Natera, Inc.
Classification: Benign for Autosomal recessive polycystic kidney disease. Last evaluated: 2017-05-11. Review status: no assertion criteria provided. Collection method: clinical testing. Allele origin: germline. Not counted in ClinVar's aggregate classification.

Department of Pathology and Laboratory Medicine, Sinai Health System
Classification: Benign for Polycystic Kidney disease. Review status: no assertion criteria provided. Collection method: clinical testing. Allele origin: unknown. Affected: yes. Observed: 1 variant allele. Study: The Canadian Open Genetics Repository (COGR). Not counted in ClinVar's aggregate classification.
Comment: The PKHD1 p.Leu1966Leu variant was identified in 2 of 726 proband chromosomes (frequency: 0.003) from individuals or families with ARPKD, and was present in 22 of 920 control chromosomes (frequency: 0.024) from healthy individuals (Bergmann 2005, Furu 2004, Losekoot 2005, Sharp 2005). The variant was also identified in dbSNP (ID: rs1266923) â€šÃ„ÃºWith benign alleleâ€šÃ„Ã¹, in 1000 Genomes Project in 408 of 5006 chromosomes (frequency: 0.0815), in NHLBI GO Exome Sequencing Project in 35 of 8600 (frequency: 0.004) European American and 586 in 4406 (frequency: 0.1285) African American alleles. This variant was identified in the Exome Aggregation Consortium database (March 14, 2016) in 3934 of 121262 chromosomes (frequency: 0.03) from a population (frequency) of African (0.14), East Asian (0.11), Finnish (0.06), South Asian (0.04), Other (0.03), Latino (0.02), and European Non-Finnish (0.006) individuals. Furthermore, the variant is listed in the ClinVar database as benign by Emory Genetics Laboratory, in the GeneInsight COGR database as benign by LMM, and in RWTH Aachen University ARPKD database as a polymorphism. The p.Leu1966Leu variant is not expected to have clinical significance because it does not result in a change of amino acid and is not located in a known consensus splice site. In silico or computational prediction software programs (SpliceSiteFinder, MaxEntScan, NNSPLICE, GeneSplicer, HumanSpliceFinder) do not predict a difference in splicing. In summary, based on the above information, this variant is classified as benign.

Diagnostic Laboratory, Department of Genetics, University Medical Center Groningen
Classification: Benign for Polycystic kidney disease 4. Review status: no assertion criteria provided. Collection method: clinical testing. Allele origin: germline. Affected: yes. Study: VKGL Data-share Consensus. Not counted in ClinVar's aggregate classification.

Laboratory of Diagnostic Genome Analysis, Leiden University Medical Center (LUMC)
Classification: Benign. Review status: no assertion criteria provided. Collection method: clinical testing. Allele origin: germline. Affected: yes. Study: VKGL Data-share Consensus. Not counted in ClinVar's aggregate classification.

Literature cited by the submitters: PubMed 12874454 (cited by Women's Health and Genetics/Laboratory Corporation of America, LabCorp); PubMed 15698423 (cited by Women's Health and Genetics/Laboratory Corporation of America, LabCorp).